The following is an entry in ClinVar:

NM_018012.4(KIF26B):c.3342G>A (p.Ala1114=)

Gene: KIF26B (kinesin family member 26B; plus strand). Cytogenetic location: 1q44.
Variant type: single nucleotide variant.
Coding change: c.3342G>A on transcript NM_018012.4 (MANE Select); coding-DNA position 3342, G replaced by A.
Protein change: p.Ala1114=; no amino-acid change (alanine 1114 retained).
Molecular consequence: synonymous variant.
Genome position (GRCh38, 1-based): chr1:245,686,325, G>A. VCF-style: chr1-245686325-G-A. GRCh37 (hg19) VCF-style: chr1-245849627-G-A.
Identifiers: ClinVar variation 3044681 (VCV003044681.2), dbSNP rs140902772, ClinGen allele CA1488226.

ClinVar aggregate classification (germline): Benign (0 of 4 stars; one submission).

Conditions:
KIF26B-related disorder. Also called: KIF26B-related condition.

Allele frequency attached by ClinVar (database versions not stated): ESP Exome Variant Server 0.00025; gnomAD 0.00063; TOPMed 0.00081; 1000 Genomes Project 30x 0.00203; 1000 Genomes Project 0.00300.
gnomAD v4.1: 682 of 1,613,186 alleles (0.042%); highest among the groups gnomAD compares: East Asian, 1.1%; 5 homozygotes.

Submission:

PreventionGenetics, part of Exact Sciences
Classification: Benign for KIF26B-related condition. Last evaluated: 2019-03-25. Review status: no assertion criteria provided. Collection method: clinical testing. Allele origin: germline.
Comment: This variant is classified as benign based on ACMG/AMP sequence variant interpretation guidelines (Richards et al. 2015 PMID: 25741868, with internal and published modifications).